The following is an entry in ClinVar:

NM_001042492.3(NF1):c.3486G>C (p.Met1162Ile)

Gene: NF1 (neurofibromin 1; plus strand). Cytogenetic location: 17q11.2.
Variant type: single nucleotide variant.
Coding change: c.3486G>C on transcript NM_001042492.3 (MANE Select); coding-DNA position 3486, G replaced by C.
Protein change: p.Met1162Ile; replaces methionine 1162 with isoleucine.
Molecular consequence: missense variant.
Genome position (GRCh38, 1-based): chr17:31,232,871, G>C. VCF-style: chr17-31232871-G-C. GRCh37 (hg19) VCF-style: chr17-29559889-G-C.
Other names: c.3486G>C, p.Met1162Ile (NM_000267.4); short protein forms M1162I.
Identifiers: ClinVar variation 3237733 (VCV003237733.1), dbSNP rs2151434863.

ClinVar aggregate classification (germline): Uncertain significance (1 of 4 stars; one submission).

Conditions:
Hereditary cancer-predisposing syndrome. Also called: Neoplastic Syndromes, Hereditary; Tumor predisposition; Hereditary neoplastic syndrome; Hereditary Cancer Syndrome. Identifiers: Orphanet 140162, MedGen C0027672, MeSH D009386, MONDO:0015356.
Cardiovascular phenotype. Identifiers: MedGen CN230736.

Submission:

Ambry Genetics
Classification: Uncertain significance for Cardiovascular phenotype; Hereditary cancer-predisposing syndrome. Last evaluated: 2023-10-08. Review status: criteria provided, single submitter. Criteria: Ambry Variant Classification Scheme 2023. Collection method: clinical testing. Allele origin: germline.
Comment: The p.M1162I variant (also known as c.3486G>C), located in coding exon 26 of the NF1 gene, results from a G to C substitution at nucleotide position 3486. The methionine at codon 1162 is replaced by isoleucine, an amino acid with highly similar properties. This amino acid position is conserved. In addition, the in silico prediction for this alteration is inconclusive. Since supporting evidence is limited at this time, the clinical significance of this alteration remains unclear.